The following is an entry in ClinVar:

ClinVar aggregate classification (germline): Uncertain significance. Review status: criteria provided, multiple submitters, no conflicts (2 of 4 stars). 2 submissions from 2 submitters: Uncertain significance (2). Last evaluated 2022-08-23.

Allele frequency attached by ClinVar (database versions not stated): gnomAD 0.00001 and 0.00002; TOPMed 0.00002; gnomAD exomes 0.00003; ExAC 0.00007.
gnomAD v4.1: 45 of 1,606,744 alleles (0.0028%); highest among the groups gnomAD compares: Non-Finnish European, 0.0037%; no homozygotes.

Submissions (2):

Labcorp Genetics (formerly Invitae), Labcorp
Classification: Uncertain significance. Last evaluated: 2022-08-23. Review status: criteria provided, single submitter. Criteria: Invitae Variant Classification Sherloc (09022015). Collection method: clinical testing. Allele origin: germline.
Comment: This sequence change replaces arginine, which is basic and polar, with histidine, which is basic and polar, at codon 280 of the ERCC2 protein (p.Arg280His). This variant is present in population databases (rs755174338, gnomAD 0.006%). This variant has not been reported in the literature in individuals affected with ERCC2-related conditions. ClinVar contains an entry for this variant (Variation ID: 1319427). Algorithms developed to predict the effect of missense changes on protein structure and function are either unavailable or do not agree on the potential impact of this missense change (SIFT: "Deleterious"; PolyPhen-2: "Benign"; Align-GVGD: "Class C0"). In summary, the available evidence is currently insufficient to determine the role of this variant in disease. Therefore, it has been classified as a Variant of Uncertain Significance.

Institute for Clinical Genetics, University Hospital TU Dresden, University Hospital TU Dresden
Classification: Uncertain significance. Last evaluated: 2021-11-03. Review status: criteria provided, single submitter. Criteria: ACMG Guidelines, 2015. Collection method: clinical testing. Allele origin: germline.

NM_000400.4(ERCC2):c.839G>A (p.Arg280His)

Gene: ERCC2 (ERCC excision repair 2, TFIIH core complex helicase subunit; minus strand). Cytogenetic location: 19q13.32.
Variant type: single nucleotide variant.
Coding change: c.839G>A on transcript NM_000400.4 (MANE Select); coding-DNA position 839, G replaced by A.
Protein change: p.Arg280His; replaces arginine 280 with histidine.
Molecular consequence: missense variant.
Genome position (GRCh38, 1-based): chr19:45,364,096, C>T on the plus strand (G>A on the coding strand, the complement: ERCC2 is on the minus strand). VCF-style: chr19-45364096-C-T. GRCh37 (hg19) VCF-style: chr19-45867354-C-T.
Other names: c.767G>A, p.Arg256His (NM_001130867.2); short protein forms R256H, R280H.
Identifiers: ClinVar variation 1319427 (VCV001319427.5), dbSNP rs755174338, ClinGen allele CA9513595.
Genomic context (GRCh38, chr19:45,364,096, plus strand): 5'-TCCCGGGCGGCGCTGGCCTCCCGCAGCCCCTCCACCAGACGCCGGTACTCGTCCCGCAGG[C>T]GCTGCTCGTCTGTCTCTTTGATCCTGCGGAGAGATGAGCTGGGGCTGGGAGGGGGCTGGC-3'
Protein context (NP_000391.1, residues 270-290): VLRIKETDEQ[Arg280His]LRDEYRRLVE